The following is an entry in ClinVar:

NM_000152.5(GAA):c.1327-269A>G

Gene: GAA (alpha glucosidase; plus strand). Cytogenetic location: 17q25.3.
Variant type: single nucleotide variant.
Coding change: c.1327-269A>G on transcript NM_000152.5 (MANE Select); 269 bases into the intron before coding-DNA position 1327, A replaced by G.
Molecular consequence: intron variant.
Genome position (GRCh38, 1-based): chr17:80,109,676, A>G. VCF-style: chr17-80109676-A-G. GRCh37 (hg19) VCF-style: chr17-78083475-A-G.
Other names: c.1327-269A>G (NM_001079803.3, NM_001079804.3).
Identifiers: ClinVar variation 680591 (VCV000680591.2), dbSNP rs6565641, ClinGen allele CA16546987.

ClinVar aggregate classification (germline): Benign. Review status: criteria provided, multiple submitters, no conflicts (2 of 4 stars). 2 submissions from 2 submitters: Benign (2). Last evaluated 2026-07-01.

Conditions:
Glycogen storage disease, type II (IOPD). Also called: Pompe Disease; CARDIOMEGALIA GLYCOGENICA DIFFUSA; GLYCOGENOSIS, GENERALIZED, CARDIAC FORM; GSD II; POMPE DISEASE, INFANTILE-ONSET; GLYCOGEN STORAGE DISEASE II, INFANTILE-ONSET. Identifiers: Orphanet 365, MedGen C0017921, MONDO:0009290, OMIM 232300.

Allele frequency attached by ClinVar (database versions not stated): 1000 Genomes Project 0.60044; TOPMed 0.63525; gnomAD 0.65470 and 0.65471.
gnomAD v4.1: 99,591 of 152,078 alleles (65%); highest among the groups gnomAD compares: Middle Eastern, 85%; 33,453 homozygotes.

Submissions (2):

Genomenon, Inc
Classification: Benign for Glycogen storage disease, type II. Last evaluated: 2026-07-01. Review status: criteria provided, single submitter. Criteria: Genomenon Sequence Variant Interpretation Standards - Updated. Collection method: curation. Allele origin: germline. Affected: no.
Comment: GAA c.1327-269A>G is an intronic variant located in intron 8. This variant is present at high allele frequency in population databases. We classify GAA c.1327-269A>G as a benign variant.

GeneDx
Classification: Benign. Last evaluated: 2018-06-14. Review status: criteria provided, single submitter. Criteria: GeneDx Variant Classification (06012015). Collection method: clinical testing. Allele origin: germline. Affected: yes.
Comment: This variant is considered likely benign or benign based on one or more of the following criteria: it is a conservative change, it occurs at a poorly conserved position in the protein, it is predicted to be benign by multiple in silico algorithms, and/or has population frequency not consistent with disease.